The following is an entry in ClinVar:

NM_001080466.2(BTBD17):c.678T>C (p.Asp226=)

Gene: BTBD17 (BTB domain containing 17; minus strand). Cytogenetic location: 17q25.1.
Variant type: single nucleotide variant.
Coding change: c.678T>C on transcript NM_001080466.2 (MANE Select); coding-DNA position 678, T replaced by C.
Protein change: p.Asp226=; no amino-acid change (aspartic acid 226 retained).
Molecular consequence: synonymous variant.
Genome position (GRCh38, 1-based): chr17:74,357,416, A>G on the plus strand (T>C on the coding strand, the complement: BTBD17 is on the minus strand). VCF-style: chr17-74357416-A-G. GRCh37 (hg19) VCF-style: chr17-72353555-A-G.
Identifiers: ClinVar variation 3250800 (VCV003250800.18), dbSNP rs2509858633.

ClinVar aggregate classification (germline): Likely benign (1 of 4 stars; one submission).

Submission:

CeGaT Center for Human Genetics Tuebingen
Classification: Likely benign. Last evaluated: 2026-08-01. Review status: criteria provided, single submitter. Criteria: CeGaT Center For Human Genetics Tuebingen Variant Classification Criteria Version 2. Collection method: clinical testing. Allele origin: germline. Affected: yes. Observed: 4 variant alleles.
Comment: BTBD17: PM2:Supporting, BP4, BP7